The following is an entry in ClinVar:

ClinVar aggregate classification (germline): Pathogenic (1 of 4 stars; one submission).

Conditions:
Intestinal hypomagnesemia 1. Also called: HYPOMAGNESEMIA, INTESTINAL, WITH SECONDARY HYPOCALCEMIA; HYPOMAGNESEMIC TETANY. Identifiers: Orphanet 30924, MedGen C1865974, MONDO:0011176, OMIM 602014.

Submission:

3billion
Classification: Pathogenic for Intestinal hypomagnesemia 1. Last evaluated: 2025-04-16. Review status: criteria provided, single submitter. Criteria: ACMG Guidelines, 2015. Collection method: clinical testing. Allele origin: germline. Affected: yes.
Comment: The variant is not observed in the gnomAD v4.1.0 dataset. Predicted Consequence/Location: Stop-gained (nonsense): predicted to result in a loss or disruption of normal protein function through nonsense-mediated decay (NMD) or protein truncation. Multiple pathogenic variants are reported downstream of the variant. The variant was homozygous. Therefore, this variant is classified as Pathogenic according to the recommendation of ACMG/AMP guideline.

NM_017662.5(TRPM6):c.5742C>A (p.Tyr1914Ter)

Gene: TRPM6 (transient receptor potential cation channel subfamily M member 6; minus strand). Cytogenetic location: 9q21.13.
Variant type: single nucleotide variant.
Coding change: c.5742C>A on transcript NM_017662.5 (MANE Select); coding-DNA position 5742, C replaced by A.
Protein change: p.Tyr1914Ter; replaces tyrosine 1914 with a stop codon.
Molecular consequence: nonsense.
Genome position (GRCh38, 1-based): chr9:74,738,441, G>T on the plus strand (C>A on the coding strand, the complement: TRPM6 is on the minus strand). VCF-style: chr9-74738441-G-T. GRCh37 (hg19) VCF-style: chr9-77353357-G-T.
Other names: c.5727C>A, p.Tyr1909Ter (NM_001177310.2, NM_001177311.2); short protein forms Y1909*, Y1914*.
Identifiers: ClinVar variation 4293110 (VCV004293110.1).